The following is an entry in ClinVar:

ClinVar aggregate classification (germline): Pathogenic (1 of 4 stars; one submission).

Conditions:
Hypohidrotic X-linked ectodermal dysplasia (XHED). Also called: ECTODERMAL DYSPLASIA 1; ECTODERMAL DYSPLASIA 1, HYPOHIDROTIC, X-LINKED; ECTODERMAL DYSPLASIA 1, HYPOHIDROTIC/HAIR/TOOTH TYPE, X-LINKED; Christ-Siemans-Touraine syndrome; Anhidrotic ectodermal dysplasia X-linked; Christ Siemens Touraine syndrome. Identifiers: Orphanet 181, Orphanet 238468, MedGen C0162359, MONDO:0010585, OMIM 305100.

Submission:

Labcorp Genetics (formerly Invitae), Labcorp
Classification: Pathogenic for Hypohidrotic X-linked ectodermal dysplasia. Last evaluated: 2020-03-10. Review status: criteria provided, single submitter. Criteria: Invitae Variant Classification Sherloc (09022015). Collection method: clinical testing. Allele origin: germline.
Comment: This sequence change creates a premature translational stop signal (p.Glu148*) in the EDA gene. It is expected to result in an absent or disrupted protein product. For these reasons, this variant has been classified as Pathogenic. Loss-of-function variants in EDA are known to be pathogenic (PMID: 9683615). This variant has been observed in individual(s) with clinical features of ectodermal dysplasia (Invitae). This variant is not present in population databases (ExAC no frequency).

Literature cited by the submitters: PubMed 9683615.

NM_001399.5(EDA):c.441dup (p.Glu148Ter)

Gene: EDA (ectodysplasin A; plus strand). Cytogenetic location: Xq13.1.
Variant type: Duplication.
Coding change: c.441dup on transcript NM_001399.5 (MANE Select); coding-DNA position 441, one base duplicated (T; older notation c.441dupT).
Protein change: p.Glu148Ter; replaces glutamic acid 148 with a stop codon.
Molecular consequence: nonsense.
Genome position (GRCh38, 1-based): chrX:69,957,071, T duplicated. VCF-style (leftmost placement, unchanged base first): chrX-69957070-C-CT. GRCh37 (hg19) VCF-style: chrX-69176920-C-CT.
Other names: c.441dup, p.Glu148Ter (NM_001005612.3, NM_001005609.2); short protein forms E148*.
Identifiers: ClinVar variation 1071925 (VCV001071925.9), dbSNP rs2147419086, ClinGen allele CA2499226809.